The following is an entry in ClinVar:

ClinVar aggregate classification (germline): Uncertain significance (1 of 4 stars; one submission).

Conditions:
Developmental and epileptic encephalopathy, 9 (DEE9). Also called: Early infantile epileptic encephalopathy 9; EPILEPSY, FEMALE-RESTRICTED, WITH MENTAL RETARDATION; PCDH19-Related X-Linked Female-Limited Epilepsy with Mental Retardation; JUBERG-HELLMAN SYNDROME. Identifiers: Orphanet 101039, Orphanet 2076, MedGen C1848137, MONDO:0010246, OMIM 300088. Disease mechanism: loss of function.

gnomAD v4.1: 1 of 1,212,314 alleles (0.000082%); highest among the groups gnomAD compares: Non-Finnish European, 0.00011%; no homozygotes.

Submission:

Labcorp Genetics (formerly Invitae), Labcorp
Classification: Uncertain significance for Developmental and epileptic encephalopathy, 9. Last evaluated: 2023-01-27. Review status: criteria provided, single submitter. Criteria: Invitae Variant Classification Sherloc (09022015). Collection method: clinical testing. Allele origin: germline.
Comment: This sequence change replaces threonine, which is neutral and polar, with lysine, which is basic and polar, at codon 285 of the PCDH19 protein (p.Thr285Lys). This variant is not present in population databases (gnomAD no frequency). This variant has not been reported in the literature in individuals affected with PCDH19-related conditions. Advanced modeling of protein sequence and biophysical properties (such as structural, functional, and spatial information, amino acid conservation, physicochemical variation, residue mobility, and thermodynamic stability) has been performed at Invitae for this missense variant, however the output from this modeling did not meet the statistical confidence thresholds required to predict the impact of this variant on PCDH19 protein function. In summary, the available evidence is currently insufficient to determine the role of this variant in disease. Therefore, it has been classified as a Variant of Uncertain Significance.

NM_001184880.2(PCDH19):c.854C>A (p.Thr285Lys)

Gene: PCDH19 (protocadherin 19; minus strand). Cytogenetic location: Xq22.1.
Variant type: single nucleotide variant.
Coding change: c.854C>A on transcript NM_001184880.2 (MANE Select); coding-DNA position 854, C replaced by A.
Protein change: p.Thr285Lys; replaces threonine 285 with lysine.
Molecular consequence: missense variant.
Genome position (GRCh38, 1-based): chrX:100,407,744, G>T on the plus strand (C>A on the coding strand, the complement: PCDH19 is on the minus strand). VCF-style: chrX-100407744-G-T. GRCh37 (hg19) VCF-style: chrX-99662742-G-T.
Other names: c.854C>A, p.Thr285Lys (NM_001105243.2, NM_020766.3); short protein forms T285K.
Identifiers: ClinVar variation 1932036 (VCV001932036.5), dbSNP rs1364286555, ClinGen allele CA414005201.
Genomic context (GRCh38, chrX:100,407,744, plus strand): 5'-TCTAAAGCGCCAGTGACAGTGACCAGGCCACTGTGCGGGTCGATCTGAAAGAGCTCGCGC[G>T]TGCGGTCGTTGACGTAGCCATAGAAGGAGTAGACCACCTGGCCGTTGGTGCCCTCGTCTG-3'
Protein context (NP_001171809.1, residues 275-295): YSFYGYVNDR[Thr285Lys]RELFQIDPHS